The following is an entry in ClinVar:

NM_006567.5(FARS2):c.1122G>T (p.Glu374Asp)

Gene: FARS2 (phenylalanyl-tRNA synthetase 2, mitochondrial; plus strand). Cytogenetic location: 6p25.1.
Variant type: single nucleotide variant.
Coding change: c.1122G>T on transcript NM_006567.5 (MANE Select); coding-DNA position 1122, G replaced by T.
Protein change: p.Glu374Asp; replaces glutamic acid 374 with aspartic acid.
Molecular consequence: missense variant.
Genome position (GRCh38, 1-based): chr6:5,613,225, G>T. VCF-style: chr6-5613225-G-T. GRCh37 (hg19) VCF-style: chr6-5613458-G-T.
Other names: c.1122G>T, p.Glu374Asp (NM_001318872.2, NM_001374875.1, NM_001374876.1 and 4 more transcripts); c.990G>T, p.Glu330Asp (NM_001375258.1); c.426G>T, p.Glu142Asp (NM_001375259.1, NM_001375260.1); short protein forms E330D, E374D, E142D.
Identifiers: ClinVar variation 2016453 (VCV002016453.4), dbSNP rs754993719, ClinGen allele CA3623889.

ClinVar aggregate classification (germline): Uncertain significance (1 of 4 stars; one submission).

Conditions:
Combined oxidative phosphorylation defect type 14. Also called: Combined oxidative phosphorylation deficiency 14. Identifiers: Orphanet 319519, MedGen C4755312, MONDO:0013986, OMIM 614946.

Allele frequency attached by ClinVar (database versions not stated): gnomAD exomes 0.00001; ExAC 0.00002.
gnomAD v4.1: 3 of 1,613,384 alleles (0.00019%); highest among the groups gnomAD compares: Non-Finnish European, 0.00025%; no homozygotes.

Submission:

Labcorp Genetics (formerly Invitae), Labcorp
Classification: Uncertain significance for Combined oxidative phosphorylation defect type 14. Last evaluated: 2022-07-29. Review status: criteria provided, single submitter. Criteria: Invitae Variant Classification Sherloc (09022015). Collection method: clinical testing. Allele origin: germline.
Comment: In summary, the available evidence is currently insufficient to determine the role of this variant in disease. Therefore, it has been classified as a Variant of Uncertain Significance. Advanced modeling of protein sequence and biophysical properties (such as structural, functional, and spatial information, amino acid conservation, physicochemical variation, residue mobility, and thermodynamic stability) performed at Invitae indicates that this missense variant is not expected to disrupt FARS2 protein function. This variant has not been reported in the literature in individuals affected with FARS2-related conditions. This variant is present in population databases (rs754993719, gnomAD 0.003%). This sequence change replaces glutamic acid, which is acidic and polar, with aspartic acid, which is acidic and polar, at codon 374 of the FARS2 protein (p.Glu374Asp).